The following is an entry in ClinVar:

ClinVar aggregate classification (germline): Pathogenic. Review status: criteria provided, multiple submitters, no conflicts (2 of 4 stars). 3 submissions from 3 submitters: Pathogenic (3). Last evaluated 2026-03-02.

Conditions:
Intellectual developmental disorder with cardiac defects and dysmorphic facies (IDDCDF). Identifiers: Orphanet 562569, MedGen C5193024, MONDO:0032672, OMIM 618316.
Inborn genetic diseases. Identifiers: MedGen C0950123, MeSH D030342.
Rare syndromic intellectual disability. Identifiers: Orphanet 102369, MedGen C5681780.

Allele frequency attached by ClinVar (database versions not stated): gnomAD exomes below 0.00001; ExAC 0.00001.
gnomAD v4.1: 4 of 1,614,024 alleles (0.00025%); highest among the groups gnomAD compares: Non-Finnish European, 0.00034%; no homozygotes.

Submissions (3):

Broad Center for Mendelian Genomics, Broad Institute of MIT and Harvard
Classification: Pathogenic for Intellectual developmental disorder with cardiac defects and dysmorphic facies. Last evaluated: 2026-03-02. Review status: criteria provided, single submitter. Criteria: ACMG Guidelines, 2015. Collection method: research. Allele origin: germline. Inheritance: Autosomal recessive inheritance.
Comment: Trio exome analysis revealed that this variant was in trans with the likely pathogenic variant. The p.Arg739Ter variant in TMEM94 has not been previously reported in the literature in individuals with intellectual developmental disorder with cardiac defects and dysmorphic facies and has been identified in 0.0009% (1/113742) of European (non-Finnish) chromosomes by the Genome Aggregation Database (gnomAD; dbSNP ID: rs746131112). Although this variant has been seen in the general population in a heterozygous state, its frequency is low enough to be consistent with a recessive carrier frequency. This variant has been reported in ClinVar (Variation ID: 2227854) and has been interpreted as pathogenic by Ambry Genetics. This nonsense variant leads to a premature termination codon at position 739, which is predicted to lead to a truncated or absent protein. Loss of function of the TMEM94 gene is an established disease mechanism in autosomal recessive intellectual developmental disorder with cardiac defects and dysmorphic facies. In summary, this variant meets criteria to be classified as pathogenic for autosomal recessive intellectual developmental disorder with cardiac defects and dysmorphic facies. ACMG/AMP Criteria applied: PVS1, PM3, PM2_supporting (Richards 2015).

Laboratory for Molecular Medicine, Mass General Brigham Personalized Medicine
Classification: Pathogenic for Rare syndromic intellectual disability. Last evaluated: 2023-10-25. Review status: criteria provided, single submitter. Criteria: ACMG Guidelines, 2015. Collection method: clinical testing. Allele origin: germline. Inheritance: Autosomal recessive inheritance.
Comment: It was absent from large population studies. This variant has also been reported in ClinVar (Variation ID 2227854). This nonsense variant leads to a premature termination codon at position 749, which is predicted to result in a truncated or absent protein. Loss of function of the TMEM94 gene is an established disease mechanism in autosomal recessive IDDCDF (Stephen 2018 PMID: 30526868). In summary, this variant meets criteria to be classified as pathogenic for autosomal recessive IDDCDF. ACMG/AMP Criteria applied: PVS1, PM3, PM2_Supporting.

Ambry Genetics
Classification: Pathogenic for Inborn genetic diseases. Last evaluated: 2020-11-09. Review status: criteria provided, single submitter. Criteria: Ambry Variant Classification Scheme 2023. Collection method: clinical testing. Allele origin: germline.
Comment: The c.2215C>T (p.R739*) alteration, located in exon 18 (coding exon 17) of the TMEM94 gene, consists of a C to T substitution at nucleotide position 2215. This changes the amino acid from an arginine (R) to a stop codon at amino acid position 739. This alteration is expected to result in loss of function by premature protein truncation or nonsense-mediated mRNA decay. Based on the available evidence, this alteration is classified as pathogenic.

NM_014738.6(TMEM94):c.2215C>T (p.Arg739Ter)

Gene: TMEM94 (transmembrane protein 94; plus strand). Cytogenetic location: 17q25.1.
Variant type: single nucleotide variant.
Coding change: c.2215C>T on transcript NM_014738.6 (MANE Select); coding-DNA position 2215, C replaced by T.
Protein change: p.Arg739Ter; replaces arginine 739 with a stop codon.
Molecular consequence: nonsense.
Genome position (GRCh38, 1-based): chr17:75,493,724, C>T. VCF-style: chr17-75493724-C-T. GRCh37 (hg19) VCF-style: chr17-73489805-C-T.
Other names: NM_014738.6(TMEM94):c.2215C>T; p.Arg739Ter; c.2245C>T, p.Arg749Ter (NM_001321148.2, NM_001351203.2); c.2227C>T, p.Arg743Ter (NM_001321149.2); c.2167C>T, p.Arg723Ter (NM_001351202.2); short protein forms R743*, R749*, R723*, R739*.
Identifiers: ClinVar variation 2227854 (VCV002227854.4), dbSNP rs746131112, ClinGen allele CA8762110.